The following is an entry in ClinVar:

ClinVar aggregate classification (germline): Uncertain significance (1 of 4 stars; one submission).

Submission:

GeneDx
Classification: Uncertain significance. Last evaluated: 2022-01-13. Review status: criteria provided, single submitter. Criteria: GeneDx Variant Classification Process June 2021. Collection method: clinical testing. Allele origin: germline. Affected: yes.
Comment: Not observed at significant frequency in large population cohorts (gnomAD); In silico analysis supports that this missense variant has a deleterious effect on protein structure/function; Has not been previously published as pathogenic or benign to our knowledge; In silico analysis, which includes splice predictors and evolutionary conservation, suggests this variant may impact gene splicing. In the absence of RNA/functional studies, the actual effect of this sequence change is unknown.

NM_001329943.3(KIAA0586):c.3532A>G (p.Met1178Val)

Gene: KIAA0586 (KIAA0586; plus strand). Cytogenetic location: 14q23.1.
Variant type: single nucleotide variant.
Coding change: c.3532A>G on transcript NM_001329943.3 (MANE Select); coding-DNA position 3532, A replaced by G.
Protein change: p.Met1178Val; replaces methionine 1178 with valine.
Molecular consequence: missense variant.
Genome position (GRCh38, 1-based): chr14:58,488,625, A>G. VCF-style: chr14-58488625-A-G. GRCh37 (hg19) VCF-style: chr14-58955343-A-G.
Other names: c.3691A>G, p.Met1231Val (NM_001244189.2); c.3487A>G, p.Met1163Val (NM_001244190.2); c.3277A>G, p.Met1093Val (NM_001244191.2, NM_001329945.2, NM_001364700.1 and 1 more transcripts); c.3400A>G, p.Met1134Val (NM_001244192.2); c.3112A>G, p.Met1038Val (NM_001244193.2); c.3532A>G, p.Met1178Val (NM_001329944.2, NM_001329946.2, NM_001329947.2); c.3304A>G, p.Met1102Val (NM_014749.5); short protein forms M1038V, M1093V, M1102V, M1134V, M1163V, M1178V, M1231V.
Identifiers: ClinVar variation 1696920 (VCV001696920.2), dbSNP rs2141201532, ClinGen allele CA389882367.
Genomic context (GRCh38, chr14:58,488,625, plus strand): 5'-ATGAATACAGGCCTTCAGTGACCTAACAAGCTCCAAATATGTCTTTATTTTCTTAGTGTA[A>G]TGTCTGTGGCTAAGGATGAAGAACCAGAGAGTATGGATTTCCCTGCTCAGCCTCCACCTC-3'
Protein context (NP_001316872.1, residues 1168-1188): QEELHPRAIV[Met1178Val]SVAKDEEPES